The following is an entry in ClinVar:

ClinVar aggregate classification (germline): Uncertain significance. Review status: criteria provided, multiple submitters, no conflicts (2 of 4 stars). 2 submissions from 2 submitters: Uncertain significance (2). Last evaluated 2025-11-26.

Conditions:
Fanconi-Bickel syndrome (FBS). Also called: FANCONI SYNDROME WITH INTESTINAL MALABSORPTION AND GALACTOSE INTOLERANCE; PSEUDO-PHLORIZIN DIABETES; HEPATIC GLYCOGENOSIS WITH AMINO ACIDURIA AND GLUCOSURIA; HEPATIC GLYCOGENOSIS WITH FANCONI NEPHROPATHY; HEPATORENAL GLYCOGENOSIS WITH RENAL FANCONI SYNDROME; Glycogen storage disease due to GLUT2 deficiency. Identifiers: Orphanet 2088, MedGen C3495427, MONDO:0009216, OMIM 227810.
Inborn genetic diseases. Identifiers: MedGen C0950123, MeSH D030342.

Allele frequency attached by ClinVar (database versions not stated): ExAC 0.00002; TOPMed 0.00005; ESP Exome Variant Server 0.00031.
gnomAD v4.1: 54 of 1,613,050 alleles (0.0033%); highest among the groups gnomAD compares: African/African-American, 0.0053%; no homozygotes.

Submissions (2):

Ambry Genetics
Classification: Uncertain significance for Inborn genetic diseases. Last evaluated: 2025-11-26. Review status: criteria provided, single submitter. Criteria: Ambry Variant Classification Scheme 2023. Collection method: clinical testing. Allele origin: germline.

Labcorp Genetics (formerly Invitae), Labcorp
Classification: Uncertain significance for Fanconi-Bickel syndrome. Last evaluated: 2024-12-31. Review status: criteria provided, single submitter. Criteria: Invitae Variant Classification Sherloc (09022015). Collection method: clinical testing. Allele origin: germline.
Comment: This sequence change replaces valine, which is neutral and non-polar, with aspartic acid, which is acidic and polar, at codon 45 of the SLC2A2 protein (p.Val45Asp). This variant is present in population databases (rs149108283, gnomAD 0.008%). This variant has not been reported in the literature in individuals affected with SLC2A2-related conditions. ClinVar contains an entry for this variant (Variation ID: 2083468). Invitae Evidence Modeling of protein sequence and biophysical properties (such as structural, functional, and spatial information, amino acid conservation, physicochemical variation, residue mobility, and thermodynamic stability) indicates that this missense variant is expected to disrupt SLC2A2 protein function with a positive predictive value of 95%. In summary, the available evidence is currently insufficient to determine the role of this variant in disease. Therefore, it has been classified as a Variant of Uncertain Significance.

NM_000340.2(SLC2A2):c.134T>A (p.Val45Asp)

Gene: SLC2A2 (solute carrier family 2 member 2; minus strand). Cytogenetic location: 3q26.2.
Variant type: single nucleotide variant.
Coding change: c.134T>A on transcript NM_000340.2 (MANE Select); coding-DNA position 134, T replaced by A.
Protein change: p.Val45Asp; replaces valine 45 with aspartic acid.
Molecular consequence: missense variant. On other transcripts: 5 prime UTR variant (1), intron variant (1).
Genome position (GRCh38, 1-based): chr3:171,014,706, A>T on the plus strand (T>A on the coding strand, the complement: SLC2A2 is on the minus strand). VCF-style: chr3-171014706-A-T. GRCh37 (hg19) VCF-style: chr3-170732495-A-T.
Other names: c.-261T>A (NM_001278659.2); c.14+3825T>A (NM_001278658.2); short protein forms V45D.
Identifiers: ClinVar variation 2083468 (VCV002083468.6), dbSNP rs149108283, ClinGen allele CA2702751.